The following is an entry in ClinVar:

NM_000245.4(MET):c.3811G>A (p.Val1271Met)

Gene: MET (MET proto-oncogene, receptor tyrosine kinase; plus strand). Cytogenetic location: 7q31.2.
Variant type: single nucleotide variant.
Coding change: c.3811G>A on transcript NM_000245.4 (MANE Select); coding-DNA position 3811, G replaced by A.
Protein change: p.Val1271Met; replaces valine 1271 with methionine.
Molecular consequence: missense variant.
Genome position (GRCh38, 1-based): chr7:116,795,667, G>A. VCF-style: chr7-116795667-G-A. GRCh37 (hg19) VCF-style: chr7-116435721-G-A.
Other names: c.3865G>A, p.Val1289Met (NM_001127500.3); c.2521G>A, p.Val841Met (NM_001324402.2); c.3865G>A (LRG_662t1); short protein forms V1289M, V1271M, V841M.
Identifiers: ClinVar variation 387726 (VCV000387726.15), dbSNP rs751186512, ClinGen allele CA4448786.
Genomic context (GRCh38, chr7:116,795,667, plus strand): 5'-GTATGGTCACATCTCTCACCTCATCTGTCCTGTTTCTTGTTTTACTAGTGGTCCTTTGGC[G>A]TGCTCCTCTGGGAGCTGATGACAAGAGGAGCCCCACCTTATCCTGACGTAAACACCTTTG-3'
Protein context (NP_000236.2, residues 1261-1281): TTKSDVWSFG[Val1271Met]LLWELMTRGA

ClinVar aggregate classification (germline): Uncertain significance. Review status: criteria provided, multiple submitters, no conflicts (2 of 4 stars). 5 submissions from 5 submitters: Uncertain significance (5). Last evaluated 2026-01-19.

Conditions:
Renal cell carcinoma. Identifiers: Orphanet 217071, MedGen C0007134, MeSH D002292, MONDO:0005086, HP:0005584.
Hereditary cancer-predisposing syndrome. Also called: Tumor predisposition; Neoplastic Syndromes, Hereditary; Hereditary neoplastic syndrome; Hereditary Cancer Syndrome. Identifiers: Orphanet 140162, MedGen C0027672, MeSH D009386, MONDO:0015356.

Allele frequency attached by ClinVar (database versions not stated): TOPMed 0.00002; gnomAD exomes 0.00003 and 0.00006; ExAC 0.00004.
gnomAD v4.1: 61 of 1,613,646 alleles (0.0038%); highest among the groups gnomAD compares: South Asian, 0.0055%; no homozygotes.

Submissions (5):

Labcorp Genetics (formerly Invitae), Labcorp
Classification: Uncertain significance for Renal cell carcinoma. Last evaluated: 2026-01-19. Review status: criteria provided, single submitter. Criteria: Invitae Variant Classification Sherloc (09022015). Collection method: clinical testing. Allele origin: germline.
Comment: This sequence change replaces valine, which is neutral and non-polar, with methionine, which is neutral and non-polar, at codon 1289 of the MET protein (p.Val1289Met). This variant is present in population databases (rs751186512, gnomAD 0.05%). This variant has not been reported in the literature in individuals affected with MET-related conditions. ClinVar contains an entry for this variant (Variation ID: 387726). Invitae Evidence Modeling of protein sequence and biophysical properties (such as structural, functional, and spatial information, amino acid conservation, physicochemical variation, residue mobility, and thermodynamic stability) indicates that this missense variant is expected to disrupt MET protein function with a positive predictive value of 80%. In summary, the available evidence is currently insufficient to determine the role of this variant in disease. Therefore, it has been classified as a Variant of Uncertain Significance.

Center for Genomic Medicine, Rigshospitalet, Copenhagen University Hospital
Classification: Uncertain significance. Last evaluated: 2025-03-04. Review status: criteria provided, single submitter. Criteria: ACMG Guidelines, 2015. Collection method: clinical testing. Allele origin: germline.

GeneDx
Classification: Uncertain significance. Last evaluated: 2025-02-11. Review status: criteria provided, single submitter. Criteria: GeneDx Variant Classification Process June 2021. Collection method: clinical testing. Allele origin: germline. Affected: yes.
Comment: In silico analysis supports that this missense variant has a deleterious effect on protein structure/function; De novo variant with confirmed parentage in a patient with a developmental disorder (PMID: 33057194); This variant is associated with the following publications: (PMID: 26699486, 35982159, 33057194)

Blueprint Genetics
Classification: Uncertain significance. Last evaluated: 2024-09-12. Review status: criteria provided, single submitter. Criteria: ACMG Guidelines, 2015. Collection method: clinical testing. Allele origin: germline.

Ambry Genetics
Classification: Uncertain significance for Hereditary cancer-predisposing syndrome. Last evaluated: 2024-04-19. Review status: criteria provided, single submitter. Criteria: Ambry Variant Classification Scheme 2023. Collection method: clinical testing. Allele origin: germline.
Comment: The p.V1289M variant (also known as c.3865G>A), located in coding exon 19 of the MET gene, results from a G to A substitution at nucleotide position 3865. The valine at codon 1289 is replaced by methionine, an amino acid with highly similar properties. This amino acid position is highly conserved in available vertebrate species. In addition, this alteration is predicted to be deleterious by in silico analysis. Since supporting evidence is limited at this time, the clinical significance of this alteration remains unclear.